The following is an entry in ClinVar:

NM_001370466.1(NOD2):c.-8-2303G>A

Gene: NOD2 (nucleotide binding oligomerization domain containing 2; plus strand). Cytogenetic location: 16q12.1.
Variant type: single nucleotide variant.
Coding change: c.-8-2303G>A on transcript NM_001370466.1 (MANE Select); 2303 bases into the intron before 8 bases upstream of the start codon, G replaced by A.
Molecular consequence: intron variant. On other transcripts: 5 prime UTR variant (1).
Genome position (GRCh38, 1-based): chr16:50,697,185, G>A. VCF-style: chr16-50697185-G-A. GRCh37 (hg19) VCF-style: chr16-50731096-G-A.
Other names: c.-59G>A (LRG_177t1, NM_022162.3).
Identifiers: ClinVar variation 319419 (VCV000319419.10), dbSNP rs2076752, ClinGen allele CA10637842.

ClinVar aggregate classification (germline): Benign. Review status: criteria provided, multiple submitters, no conflicts (2 of 4 stars). 4 submissions from 3 submitters: Benign (4). Last evaluated 2023-11-12.

Conditions:
Blau syndrome (BLAUS). Also called: ARTHROCUTANEOUVEAL GRANULOMATOSIS; GRANULOMATOSIS, FAMILIAL JUVENILE SYSTEMIC; GRANULOMATOSIS, FAMILIAL, BLAU TYPE; GRANULOMATOUS INFLAMMATORY ARTHRITIS, DERMATITIS, AND UVEITIS, FAMILIAL; JABS SYNDROME. Identifiers: Orphanet 90340, MedGen C5201146, MONDO:0008523, OMIM 186580.
Inflammatory bowel disease 1 (IBD1). Also called: Inflammatory bowel disease 1, Crohn disease; INFLAMMATORY BOWEL DISEASE (CROHN DISEASE) 1. Identifiers: MedGen CN260071, MONDO:0009960, OMIM 266600.

Allele frequency attached by ClinVar (database versions not stated): 1000 Genomes Project 0.14097; 1000 Genomes Project 30x 0.14959; gnomAD 0.21018; TOPMed 0.21377; ESP Exome Variant Server 0.24595.
gnomAD v4.1: 368,302 of 1,429,068 alleles (26%); highest among the groups gnomAD compares: Non-Finnish European, 29%; 52,077 homozygotes.

Submissions (4):

Unidad de Genómica Garrahan, Hospital de Pediatría Garrahan
Classification: Benign. Last evaluated: 2023-11-12. Review status: criteria provided, single submitter. Criteria: ACMG Guidelines, 2015. Collection method: clinical testing. Allele origin: germline. Affected: no. Observed: 29 variant alleles.
Comment: This variant is classified as Benign based on local population frequency. This variant was detected in 30% of patients studied by a panel of primary immunodeficiencies. Number of patients: 29. Only high quality variants are reported.

Illumina Laboratory Services, Illumina
Classification: Benign for Inflammatory bowel disease 1. Last evaluated: 2018-01-12. Review status: criteria provided, single submitter. Criteria: ICSL Variant Classification Criteria 13 December 2019. Collection method: clinical testing. Allele origin: germline.
Comment: This variant was observed in the ICSL laboratory as part of a predisposition screen in an ostensibly healthy population. It had not been previously curated by ICSL or reported in the Human Gene Mutation Database (HGMD: prior to June 1st, 2018), and was therefore a candidate for classification through an automated scoring system. Utilizing variant allele frequency, disease prevalence and penetrance estimates, and inheritance mode, an automated score was calculated to assess if this variant is too frequent to cause the disease. Based on the score and internal cut-off values, a variant classified as benign is not then subjected to further curation. The score for this variant resulted in a classification of benign for this disease.

Illumina Laboratory Services, Illumina
Classification: Benign for Blau syndrome. Last evaluated: 2018-01-12. Review status: criteria provided, single submitter. Criteria: ICSL Variant Classification Criteria 13 December 2019. Collection method: clinical testing. Allele origin: germline.
Comment: the same text as in the submission from Illumina Laboratory Services, Illumina above.

Breakthrough Genomics
Classification: Benign. Review status: criteria provided, single submitter. Criteria: ACMG Guidelines, 2015. Collection method: not provided. Allele origin: germline. Inheritance: Multifactorial inheritance. Affected: yes.